The following is an entry in ClinVar:

NM_005045.4(RELN):c.9637GAA[3] (p.Glu3214_Thr3215insGlu)

Genes: RELN (reelin; minus strand), SLC26A5-AS1 (SLC26A5 antisense RNA 1; plus strand), LOC126860130 (BRD4-independent group 4 enhancer GRCh37_chr7:103130126-103131325; plus strand). Cytogenetic location: 7q22.1.
Variant type: Microsatellite.
Coding change: c.9637GAA[3] on transcript NM_005045.4 (MANE Select); three copies in a row of the 3-base unit GAA starting at c.9637; the reference has two copies in a row; one copy, 3 bases duplicated.
Protein change: p.Glu3214_Thr3215insGlu.
Genome position (GRCh38, 1-based): chr7:103,489,863-103,489,865, TTC duplicated on the plus strand (GAA on the coding strand, the reverse complement: RELN is on the minus strand); duplicating any 3 consecutive bases within chr7:103,489,863-103,489,869 gives the same sequence; the position shown is the placement nearest the transcript's 3' end. VCF-style (leftmost placement, unchanged base first): chr7-103489862-T-TTTC. GRCh37 (hg19) VCF-style: chr7-103130309-T-TTTC.
Other names: c.9637GAA[3], p.Glu3214_Thr3215insGlu (NM_173054.3); c.9640_9642dupGAA (NM_005045.4).
Identifiers: ClinVar variation 4847235 (VCV004847235.1).

ClinVar aggregate classification (germline): Uncertain significance (1 of 4 stars; one submission).

Submission:

Women's Health and Genetics/Laboratory Corporation of America, LabCorp
Classification: Uncertain significance. Last evaluated: 2026-03-13. Review status: criteria provided, single submitter. Criteria: LabCorp Variant Classification Summary - May 2015. Collection method: clinical testing. Allele origin: germline.
Comment: Variant summary: RELN c.9640_9642dupGAA (p.Glu3214dup) results in an in-frame duplication that is predicted to duplicate 1 amino acid into the encoded protein. The variant was absent in 251238 control chromosomes. The available data on variant occurrences in the general population are insufficient to allow any conclusion about variant significance. To our knowledge, no occurrence of c.9640_9642dupGAA in individuals affected with RELN-related conditions and no experimental evidence demonstrating its impact on protein function have been reported. No submitters have cited clinical-significance assessments for this variant to ClinVar. Based on the evidence outlined above, the variant was classified as uncertain significance.